The following is an entry in ClinVar:

ClinVar aggregate classification (germline): Likely benign (0 of 4 stars; one submission).

Conditions:
C12orf57-related disorder. Also called: C12orf57-related condition.

Allele frequency attached by ClinVar (database versions not stated): gnomAD exomes 0.00004; ExAC 0.00008; ESP Exome Variant Server 0.00024; gnomAD 0.00047; TOPMed 0.00048.

Submission:

PreventionGenetics, part of Exact Sciences
Classification: Likely benign for C12orf57-related condition. Last evaluated: 2019-03-25. Review status: no assertion criteria provided. Collection method: clinical testing. Allele origin: germline.
Comment: This variant is classified as likely benign based on ACMG/AMP sequence variant interpretation guidelines (Richards et al. 2015 PMID: 25741868, with internal and published modifications).

NM_138425.4(C12orf57):c.-7del

Gene: C12orf57 (chromosome 12 open reading frame 57; plus strand). Cytogenetic location: 12p13.31.
Variant type: Deletion.
Coding change: c.-7del on transcript NM_138425.4 (MANE Select); 7 bases upstream of the start codon, one base deleted (A; older notation c.-7delA).
Molecular consequence: 5 prime UTR variant. On other transcripts: non-coding transcript variant (1), intron variant (1).
Genome position (GRCh38, 1-based): chr12:6,944,115, A deleted. VCF-style (leftmost placement, unchanged base first): chr12-6944114-GA-G. GRCh37 (hg19) VCF-style: chr12-7053277-GA-G.
Other names: c.-7del (NM_001301834.1, NM_001301837.2); c.-208del (NM_001301838.2); c.14-361del (NM_001301836.2).
Identifiers: ClinVar variation 3057901 (VCV003057901.2), dbSNP rs781802135, ClinGen allele CA6421151.